The following is an entry in ClinVar:

NM_001303.4(COX10):c.1026C>T (p.Tyr342=)

Gene: COX10 (cytochrome c oxidase assembly factor heme A:farnesyltransferase COX10; plus strand). Cytogenetic location: 17p12.
Variant type: single nucleotide variant.
Coding change: c.1026C>T on transcript NM_001303.4 (MANE Select); coding-DNA position 1026, C replaced by T.
Protein change: p.Tyr342=; no amino-acid change (tyrosine 342 retained).
Molecular consequence: synonymous variant.
Genome position (GRCh38, 1-based): chr17:14,206,907, C>T. VCF-style: chr17-14206907-C-T. GRCh37 (hg19) VCF-style: chr17-14110224-C-T.
Other names: p.Tyr342=.
Identifiers: ClinVar variation 4684192 (VCV004684192.1).
Genomic context (GRCh38, chr17:14,206,907, plus strand): 5'-GTTTCCTCATTTCAACGCCCTGAGCTGGGGCCTCCGTGAAGACTACTCCCGGGGCGGCTA[C>T]TGCATGATGTCGGTCACCCACCCGGGCCTGTGCCGGCGCGTGGCGCTGCGCCACTGCCTG-3'
Protein context (NP_001294.2, residues 332-352): GLREDYSRGG[Tyr342=]CMMSVTHPGL

ClinVar aggregate classification (germline): Likely benign (1 of 4 stars; one submission).

gnomAD v4.1: 4 of 1,613,846 alleles (0.00025%); highest among the groups gnomAD compares: African/African-American, 0.0013%; no homozygotes.

Submission:

Mayo Clinic Laboratories, Mayo Clinic
Classification: Likely benign. Last evaluated: 2025-01-27. Review status: criteria provided, single submitter. Criteria: ACMG Guidelines, 2015. Collection method: clinical testing. Allele origin: germline. Observed: 1 variant allele.
Comment: BP4, BP7